The following is an entry in ClinVar:

ClinVar aggregate classification (germline): Pathogenic (1 of 4 stars; one submission).

Submission:

CeGaT Center for Human Genetics Tuebingen
Classification: Pathogenic. Last evaluated: 2025-12-01. Review status: criteria provided, single submitter. Criteria: CeGaT Center For Human Genetics Tuebingen Variant Classification Criteria Version 2. Collection method: clinical testing. Allele origin: germline. Affected: yes. Observed: 1 variant allele.
Comment: VPS16: PVS1, PM2

NM_022575.4(VPS16):c.694C>T (p.Arg232Ter)

Gene: VPS16 (VPS16 core subunit of CORVET and HOPS complexes; plus strand). Cytogenetic location: 20p13.
Variant type: single nucleotide variant.
Coding change: c.694C>T on transcript NM_022575.4 (MANE Select); coding-DNA position 694, C replaced by T.
Protein change: p.Arg232Ter; replaces arginine 232 with a stop codon.
Molecular consequence: nonsense.
Genome position (GRCh38, 1-based): chr20:2,861,033, C>T. VCF-style: chr20-2861033-C-T. GRCh37 (hg19) VCF-style: chr20-2841679-C-T.
Other names: c.694C>T, p.Arg232Ter (NM_080413.3); short protein forms R232*.
Identifiers: ClinVar variation 4681731 (VCV004681731.5).